The following is an entry in ClinVar:

NM_001035.3(RYR2):c.1756C>G (p.Leu586Val)

Gene: RYR2 (ryanodine receptor 2; plus strand). Cytogenetic location: 1q43.
Variant type: single nucleotide variant.
Coding change: c.1756C>G on transcript NM_001035.3 (MANE Select); coding-DNA position 1756, C replaced by G.
Protein change: p.Leu586Val; replaces leucine 586 with valine.
Molecular consequence: missense variant.
Genome position (GRCh38, 1-based): chr1:237,491,853, C>G. VCF-style: chr1-237491853-C-G. GRCh37 (hg19) VCF-style: chr1-237655153-C-G.
Other names: short protein forms L586V.
Identifiers: ClinVar variation 5028687 (VCV005028687.1).
Genomic context (GRCh38, chr1:237,491,853, plus strand): 5'-GTTTTATCTTTAGGCATTCTGGAAGTTTTACACTGTGTTTTAGTAGAAAGTCCAGAAGCT[C>G]TAAATATTATTAAAGAAGGACATATTAAATCTATTATCTCACTTTTAGACAAACATGGAA-3'
Protein context (NP_001026.2, residues 576-596): HCVLVESPEA[Leu586Val]NIIKEGHIKS

ClinVar aggregate classification (germline): Uncertain significance (1 of 4 stars; one submission).

Conditions:
Cardiovascular phenotype. Identifiers: MedGen CN230736.

Submission:

Ambry Genetics
Classification: Uncertain significance for Cardiovascular phenotype. Last evaluated: 2026-07-17. Review status: criteria provided, single submitter. Criteria: Ambry Variant Classification Scheme 2023. Collection method: clinical testing. Allele origin: germline.
Comment: The p.L586V variant (also known as c.1756C>G), located in coding exon 18 of the RYR2 gene, results from a C to G substitution at nucleotide position 1756. The leucine at codon 586 is replaced by valine, an amino acid with highly similar properties. This amino acid position is conserved. In addition, this alteration is predicted to be deleterious by in silico analysis. Based on the available evidence, the clinical significance of this variant remains unclear.